The following is an entry in ClinVar:

ClinVar aggregate classification (germline): Uncertain significance (1 of 4 stars; one submission).

Conditions:
SEMA3E-related disorder. Also called: SEMA3E-related condition.

Submission:

PreventionGenetics, part of Exact Sciences
Classification: Uncertain significance for SEMA3E-related condition. Last evaluated: 2025-05-29. Review status: criteria provided, single submitter. Criteria: ACMG Guidelines, 2015. Collection method: clinical testing. Allele origin: germline.
Comment: The SEMA3E c.2014G>A variant is predicted to result in the amino acid substitution p.Val672Ile. To our knowledge, this variant has not been reported in the literature or in a large population database (gnomAD), indicating this variant is rare. At this time, the clinical significance of this variant is uncertain due to the absence of conclusive functional and genetic evidence.

NM_012431.3(SEMA3E):c.2014G>A (p.Val672Ile)

Gene: SEMA3E (semaphorin 3E; minus strand). Cytogenetic location: 7q21.11.
Variant type: single nucleotide variant.
Coding change: c.2014G>A on transcript NM_012431.3 (MANE Select); coding-DNA position 2014, G replaced by A.
Protein change: p.Val672Ile; replaces valine 672 with isoleucine.
Molecular consequence: missense variant.
Genome position (GRCh38, 1-based): chr7:83,367,900, C>T on the plus strand (G>A on the coding strand, the complement: SEMA3E is on the minus strand). VCF-style: chr7-83367900-C-T. GRCh37 (hg19) VCF-style: chr7-82997216-C-T.
Other names: c.1834G>A, p.Val612Ile (NM_001178129.2); short protein forms V612I, V672I.
Identifiers: ClinVar variation 5000681 (VCV005000681.1).